The following is an entry in ClinVar:

ClinVar aggregate classification (germline): Conflicting classifications of pathogenicity. Review status: criteria provided, conflicting classifications (1 of 4 stars). 7 submissions from 7 submitters: Uncertain significance (1); Likely benign (6). Last evaluated 2026-01-28.

Conditions:
Familial hemophagocytic lymphohistiocytosis 2 (FHL2). Also called: PRF1-Related Familial Hemophagocytic Lymphohistiocytosis (PRF1-fHLH). Identifiers: Orphanet 540, MedGen C1863727, MONDO:0011337, OMIM 603553.
Autoinflammatory syndrome. Identifiers: Orphanet 93665, MedGen C3890737, MONDO:0019751.

Allele frequency attached by ClinVar (database versions not stated): 1000 Genomes Project 30x 0.00031; TOPMed 0.00048; ESP Exome Variant Server 0.00108.
gnomAD v4.1: 766 of 1,614,158 alleles (0.047%); highest among the groups gnomAD compares: Middle Eastern, 0.69%; no homozygotes.

Submissions (7):

Labcorp Genetics (formerly Invitae), Labcorp
Classification: Likely benign for Familial hemophagocytic lymphohistiocytosis 2. Last evaluated: 2026-01-28. Review status: criteria provided, single submitter. Criteria: Invitae Variant Classification Sherloc (09022015). Collection method: clinical testing. Allele origin: germline.

Mayo Clinic Laboratories, Mayo Clinic
Classification: Likely benign. Last evaluated: 2025-06-05. Review status: criteria provided, single submitter. Criteria: ACMG Guidelines, 2015. Collection method: clinical testing. Allele origin: germline. Observed: 3 variant alleles.
Comment: BS1, BP4, BP7

Blueprint Genetics
Classification: Likely benign. Last evaluated: 2024-11-13. Review status: criteria provided, single submitter. Criteria: ACMG Guidelines, 2015. Collection method: clinical testing. Allele origin: germline.

CeGaT Center for Human Genetics Tuebingen
Classification: Likely benign. Last evaluated: 2022-12-01. Review status: criteria provided, single submitter. Criteria: CeGaT Center For Human Genetics Tuebingen Variant Classification Criteria Version 2. Collection method: clinical testing. Allele origin: germline. Affected: yes. Observed: 2 variant alleles.
Comment: PRF1: BP4, BP7

Genetic Services Laboratory, University of Chicago
Classification: Likely benign. Last evaluated: 2021-11-29. Review status: criteria provided, single submitter. Criteria: ACMG Guidelines, 2015. Collection method: clinical testing. Allele origin: germline. Affected: no.

Genome Diagnostics Laboratory, The Hospital for Sick Children
Classification: Likely benign for Autoinflammatory syndrome. Last evaluated: 2018-10-01. Review status: criteria provided, single submitter. Criteria: ACMG Guidelines, 2015. Collection method: clinical testing. Allele origin: germline. Affected: yes.

Illumina Laboratory Services, Illumina
Classification: Uncertain significance for Familial hemophagocytic lymphohistiocytosis 2. Last evaluated: 2018-01-12. Review status: criteria provided, single submitter. Criteria: ICSL Variant Classification Criteria 13 December 2019. Collection method: clinical testing. Allele origin: germline.

NM_001083116.3(PRF1):c.519G>A (p.Thr173=)

Gene: PRF1 (perforin 1; minus strand). Cytogenetic location: 10q22.1.
Variant type: single nucleotide variant.
Coding change: c.519G>A on transcript NM_001083116.3 (MANE Select); coding-DNA position 519, G replaced by A.
Protein change: p.Thr173=; no amino-acid change (threonine 173 retained).
Molecular consequence: synonymous variant.
Genome position (GRCh38, 1-based): chr10:70,600,384, C>T on the plus strand (G>A on the coding strand, the complement: PRF1 is on the minus strand). VCF-style: chr10-70600384-C-T. GRCh37 (hg19) VCF-style: chr10-72360140-C-T.
Other names: p.Thr173=; c.519G>A, p.Thr173= (NM_005041.6).
Identifiers: ClinVar variation 789534 (VCV000789534.47), dbSNP rs112883709, ClinGen allele CA5539017.
Genomic context (GRCh38, chr10:70,600,384, plus strand): 5'-GCGCCTTTTCCAGCCCCCCACCCCTAGCCCCAGCTCTCACCTGTAGAAGCGGCACTCCAC[C>T]GTGTCAGTGCTGAAGCTGTACTGGTCCTGGTGGGTCTTCTGGGCTGCAAAGTTGGCTGCC-3'
Protein context (NP_001076585.1, residues 163-183): HQDQYSFSTD[Thr173=]VECRFYSFHV